The following is an entry in ClinVar:

ClinVar aggregate classification (germline): Uncertain significance (1 of 4 stars; one submission).

gnomAD v4.1: 1 of 1,614,018 alleles (0.000062%); highest among the groups gnomAD compares: Non-Finnish European, 0.000085%; no homozygotes.

Submission:

GeneDx
Classification: Uncertain significance. Last evaluated: 2024-08-14. Review status: criteria provided, single submitter. Criteria: GeneDx Variant Classification Process June 2021. Collection method: clinical testing. Allele origin: germline. Affected: yes.
Comment: Not observed at significant frequency in large population cohorts (gnomAD); In silico analysis supports that this missense variant has a deleterious effect on protein structure/function; Has not been previously published as pathogenic or benign to our knowledge; This variant is associated with the following publications: (PMID: 8906794)

NM_000264.5(PTCH1):c.2860G>T (p.Asp954Tyr)

Gene: PTCH1 (patched 1; minus strand). Cytogenetic location: 9q22.32.
Variant type: single nucleotide variant.
Coding change: c.2860G>T on transcript NM_000264.5 (MANE Select); coding-DNA position 2860, G replaced by T.
Protein change: p.Asp954Tyr; replaces aspartic acid 954 with tyrosine.
Molecular consequence: missense variant. On other transcripts: non-coding transcript variant (1).
Genome position (GRCh38, 1-based): chr9:95,459,627, C>A on the plus strand (G>T on the coding strand, the complement: PTCH1 is on the minus strand). VCF-style: chr9-95459627-C-A. GRCh37 (hg19) VCF-style: chr9-98221909-C-A.
Other names: c.2662G>T, p.Asp888Tyr (NM_001083602.3); c.2857G>T, p.Asp953Tyr (NM_001083603.3); c.2407G>T, p.Asp803Tyr (NM_001083604.3, NM_001083605.3, NM_001083606.3 and 1 more transcripts); c.2704G>T, p.Asp902Tyr (NM_001354918.2); short protein forms D954Y, D803Y, D888Y, D953Y, D902Y.
Identifiers: ClinVar variation 3731223 (VCV003731223.1).